The following is an entry in ClinVar:

ClinVar aggregate classification (germline): Uncertain significance (1 of 4 stars; one submission).

gnomAD v4.1: 39 of 1,614,070 alleles (0.0024%); highest among the groups gnomAD compares: Non-Finnish European, 0.0031%; no homozygotes.

Submission:

Ambry Genetics
Classification: Uncertain significance. Last evaluated: 2024-11-20. Review status: criteria provided, single submitter. Criteria: Ambry Variant Classification Scheme 2023. Collection method: clinical testing. Allele origin: germline.
Comment: The p.L1138F variant (also known as c.3412C>T), located in coding exon 13 of the CDK12 gene, results from a C to T substitution at nucleotide position 3412. The leucine at codon 1138 is replaced by phenylalanine, an amino acid with highly similar properties. This amino acid position is conserved. In addition, this alteration is predicted to be tolerated by in silico analysis. Based on the available evidence, the clinical significance of this variant remains unclear.

NM_016507.4(CDK12):c.3412C>T (p.Leu1138Phe)

Gene: CDK12 (cyclin dependent kinase 12; plus strand). Cytogenetic location: 17q12.
Variant type: single nucleotide variant.
Coding change: c.3412C>T on transcript NM_016507.4 (MANE Select); coding-DNA position 3412, C replaced by T.
Protein change: p.Leu1138Phe; replaces leucine 1138 with phenylalanine.
Molecular consequence: missense variant.
Genome position (GRCh38, 1-based): chr17:39,525,968, C>T. VCF-style: chr17-39525968-C-T. GRCh37 (hg19) VCF-style: chr17-37682221-C-T.
Other names: c.3412C>T, p.Leu1138Phe (NM_015083.4); short protein forms L1138F.
Identifiers: ClinVar variation 3489211 (VCV003489211.1).